The following is an entry in ClinVar:

ClinVar aggregate classification (germline): Likely pathogenic (1 of 4 stars; one submission).

Conditions:
Progressive sclerosing poliodystrophy (MTDPS4A). Also called: Alpers-Huttenlocher Syndrome (AHS); Alpers Syndrome; ALPERS PROGRESSIVE INFANTILE POLIODYSTROPHY; Mitochondrial DNA depletion syndrome 4A (Alpers type); ALPERS DIFFUSE DEGENERATION OF CEREBRAL GRAY MATTER WITH HEPATIC CIRRHOSIS; Alpers-Huttenlocher Syndrome. Identifiers: Orphanet 726, MedGen C0205710, MONDO:0008758, OMIM 203700.

Submission:

Wong Mito Lab, Molecular and Human Genetics, Baylor College of Medicine
Classification: Likely pathogenic for Progressive sclerosing poliodystrophy. Last evaluated: 2018-10-01. Review status: criteria provided, single submitter. Criteria: ACMG Guidelines, 2015. Collection method: clinical testing. Allele origin: germline.
Comment: The NM_002693.2:c.3338T>C (NP_002684.1:p.Leu1113Pro) [GRCH38: NC_000015.10:g.89318685A>G] variant in POLG gene is interpretated to be a Likely Pathogenic based on ACMG guidelines (PMID: 25741868). This variant meets the following evidence codes reported in the ACMG-guideline. PM2:This variant is absent in key population databases. PM3:Detected in trans with a pathogenic variant for Mitochondrial DNA depletion syndrome 4A (Alpers type) which is a recessive disorder. PP2:This is a missense variant in POLG with a low rate of benign and high rate of pathogenic missense variations. PP4:Patient's phenotype or family history is highly specific for POLG. Based on the evidence criteria codes applied, the variant is suggested to be Likely Pathogenic.

NM_002693.3(POLG):c.3338T>C (p.Leu1113Pro)

Gene: POLG (DNA polymerase gamma, catalytic subunit; minus strand). Cytogenetic location: 15q26.1.
Variant type: single nucleotide variant.
Coding change: c.3338T>C on transcript NM_002693.3 (MANE Select); coding-DNA position 3338, T replaced by C.
Protein change: p.Leu1113Pro; replaces leucine 1113 with proline.
Molecular consequence: missense variant.
Genome position (GRCh38, 1-based): chr15:89,318,685, A>G on the plus strand (T>C on the coding strand, the complement: POLG is on the minus strand). VCF-style: chr15-89318685-A-G. GRCh37 (hg19) VCF-style: chr15-89861916-A-G.
Other names: c.3338T>C, p.Leu1113Pro (NM_001126131.2); short protein forms L1113P.
Identifiers: ClinVar variation 619436 (VCV000619436.1), dbSNP rs1567185178, ClinGen allele CA10602269.